The following is an entry in ClinVar:

ClinVar aggregate classification (germline): Uncertain significance. Review status: criteria provided, multiple submitters, no conflicts (2 of 4 stars). 2 submissions from 2 submitters: Uncertain significance (2). Last evaluated 2021-12-07.

Conditions:
Inborn genetic diseases. Identifiers: MedGen C0950123, MeSH D030342.

Allele frequency attached by ClinVar (database versions not stated): gnomAD exomes 0.00001; ExAC 0.00002; gnomAD 0.00003 and 0.00004; TOPMed 0.00003.
gnomAD v4.1: 17 of 1,612,958 alleles (0.0011%); highest among the groups gnomAD compares: East Asian, 0.016%; no homozygotes.

Submissions (2):

Ambry Genetics
Classification: Uncertain significance for Inborn genetic diseases. Last evaluated: 2021-12-07. Review status: criteria provided, single submitter. Criteria: Ambry Variant Classification Scheme 2023. Collection method: clinical testing. Allele origin: germline.

Labcorp Genetics (formerly Invitae), Labcorp
Classification: Uncertain significance. Last evaluated: 2021-09-21. Review status: criteria provided, single submitter. Criteria: Invitae Variant Classification Sherloc (09022015). Collection method: clinical testing. Allele origin: germline.
Comment: In summary, the available evidence is currently insufficient to determine the role of this variant in disease. Therefore, it has been classified as a Variant of Uncertain Significance. Algorithms developed to predict the effect of missense changes on protein structure and function (SIFT, PolyPhen-2, Align-GVGD) all suggest that this variant is likely to be tolerated. This variant has not been reported in the literature in individuals affected with PLOD3-related conditions. This variant is present in population databases (rs770760479, ExAC 0.03%). This sequence change replaces asparagine with histidine at codon 223 of the PLOD3 protein (p.Asn223His). The asparagine residue is highly conserved and there is a small physicochemical difference between asparagine and histidine.

NM_001084.5(PLOD3):c.667A>C (p.Asn223His)

Gene: PLOD3 (procollagen-lysine,2-oxoglutarate 5-dioxygenase 3; minus strand). Cytogenetic location: 7q22.1.
Variant type: single nucleotide variant.
Coding change: c.667A>C on transcript NM_001084.5 (MANE Select); coding-DNA position 667, A replaced by C.
Protein change: p.Asn223His; replaces asparagine 223 with histidine.
Molecular consequence: missense variant.
Genome position (GRCh38, 1-based): chr7:101,215,101, T>G on the plus strand (A>C on the coding strand, the complement: PLOD3 is on the minus strand). VCF-style: chr7-101215101-T-G. GRCh37 (hg19) VCF-style: chr7-100858382-T-G.
Other names: c.667A>C (NM_001084.4); short protein forms N223H.
Identifiers: ClinVar variation 1422819 (VCV001422819.5), dbSNP rs770760479, ClinGen allele CA4408097.
Genomic context (GRCh38, chr7:101,215,101, plus strand): 5'-AGCTGCAGAGGCTGCGCATCGCCCACCTGCGGCTGTCTTCCTCCTCACCTAAAGCCCCGT[T>G]GAGGTTCTGAAAGATCCGAGACTTATGATCCAGATTAAGGCTGAGTTTCTCCTAAATGGA-3'
Protein context (NP_001075.1, residues 213-233): DHKSRIFQNL[Asn223His]GALDEVVLKF